The following is an entry in ClinVar:

ClinVar aggregate classification (germline): Uncertain significance (1 of 4 stars; one submission).

Conditions:
Deficiency of malonyl-CoA decarboxylase. Also called: Malonic aciduria; MCD deficiency. Identifiers: Orphanet 943, MedGen C0342793, MONDO:0009556, OMIM 248360.

Allele frequency attached by ClinVar (database versions not stated): gnomAD exomes below 0.00001.

Submission:

Labcorp Genetics (formerly Invitae), Labcorp
Classification: Uncertain significance for Deficiency of malonyl-CoA decarboxylase. Last evaluated: 2019-06-20. Review status: criteria provided, single submitter. Criteria: Invitae Variant Classification Sherloc (09022015). Collection method: clinical testing. Allele origin: germline.
Comment: The frequency data for this variant in the population databases is considered unreliable, as metrics indicate insufficient coverage at this position in the ExAC database. In summary, the available evidence is currently insufficient to determine the role of this variant in disease. Therefore, it has been classified as a Variant of Uncertain Significance. Algorithms developed to predict the effect of missense changes on protein structure and function (SIFT, PolyPhen-2, Align-GVGD) all suggest that this variant is likely to be tolerated, but these predictions have not been confirmed by published functional studies and their clinical significance is uncertain. This variant has not been reported in the literature in individuals with MLYCD-related conditions. This sequence change replaces aspartic acid with asparagine at codon 98 of the MLYCD protein (p.Asp98Asn). The aspartic acid residue is highly conserved and there is a small physicochemical difference between aspartic acid and asparagine.

NM_012213.3(MLYCD):c.292G>A (p.Asp98Asn)

Gene: MLYCD (malonyl-CoA decarboxylase; plus strand). Cytogenetic location: 16q23.3.
Variant type: single nucleotide variant.
Coding change: c.292G>A on transcript NM_012213.3 (MANE Select); coding-DNA position 292, G replaced by A.
Protein change: p.Asp98Asn; replaces aspartic acid 98 with asparagine.
Molecular consequence: missense variant.
Genome position (GRCh38, 1-based): chr16:83,899,436, G>A. VCF-style: chr16-83899436-G-A. GRCh37 (hg19) VCF-style: chr16-83933041-G-A.
Other names: short protein forms D98N.
Identifiers: ClinVar variation 951404 (VCV000951404.9), dbSNP rs1906695424, ClinGen allele CA396918029.